The following is an entry in ClinVar:

ClinVar aggregate classification (germline): Likely pathogenic (1 of 4 stars; one submission).

Conditions:
Propionic acidemia (PROP). Also called: GLYCINEMIA, KETOTIC; HYPERGLYCINEMIA WITH KETOACIDOSIS AND LEUKOPENIA; KETOTIC HYPERGLYCINEMIA. Identifiers: Orphanet 35, MedGen C0268579, MONDO:0011628, OMIM 606054, HP:0003571.

Submission:

Myriad Genetics, Inc.
Classification: Likely pathogenic for Propionic acidemia. Last evaluated: 2022-01-24. Review status: criteria provided, single submitter. Criteria: Myriad Women's Health Autosomal Recessive and X-Linked Classification Criteria (2021). Collection method: clinical testing. Allele origin: unknown.
Comment: NM_000282.3(PCCA):c.844_846delGCTinsAC(A282Tfs*40) is expected to be pathogenic in the context of PCCA-related propionic acidemia. This variant is predicted to lead to an abnormal or absent protein product due to the creation of a premature termination codon in PCCA, a gene where loss-of-function variants are known to be pathogenic. Please note: this variant was assessed in the context of healthy population screening.

NM_000282.4(PCCA):c.844_846delinsAC (p.Ala282fs)

Gene: PCCA (propionyl-CoA carboxylase subunit alpha; plus strand). Cytogenetic location: 13q32.3.
Variant type: Indel.
Coding change: c.844_846delinsAC on transcript NM_000282.4 (MANE Select); coding-DNA positions 844 to 846, GCT replaced by AC.
Protein change: p.Ala282fs; shifts the reading frame from alanine 282.
Molecular consequence: frameshift variant. On other transcripts: 5 prime UTR variant (3), non-coding transcript variant (5).
Genome position (GRCh38, 1-based): chr13:100,268,713-100,268,715, GCT replaced by AC. VCF-style: chr13-100268713-GCT-AC. GRCh37 (hg19) VCF-style: chr13-100920967-GCT-AC.
Other names: c.766_768delinsAC, p.Ala256fs (NM_001127692.3, NM_001352607.2, NM_001352608.2); c.844_846delinsAC, p.Ala282fs (NM_001178004.2, NM_001352605.2, NM_001352606.2 and 1 more transcripts); c.-102_-100delinsAC (NM_001352610.2, NM_001352611.2, NM_001352612.2); short protein forms A256fs, A282fs.
Identifiers: ClinVar variation 1724062 (VCV001724062.2), dbSNP rs2547957605, ClinGen allele CA2580086963.
Genomic context (GRCh38, chr13:100,268,713, plus strand): 5'-GGTTATATGGTTTTTCAAATGGTATTGCTCTTTCAGGTTCTAGGTGATAAACATGGGAAT[GCT>AC]TTATGGCTTAATGAAAGAGAGTGCTCAATTCAGAGAAGAAATCAGAAGGTGGTGGAGGAA-3'